The following is an entry in ClinVar:

ClinVar aggregate classification (germline): Uncertain significance. Review status: criteria provided, multiple submitters, no conflicts (2 of 4 stars). 4 submissions from 4 submitters: Uncertain significance (3). 1 of the submissions does not count toward it. Last evaluated 2024-03-07.

Conditions:
Pierson syndrome. Also called: MICROCORIA-CONGENITAL NEPHROTIC SYNDROME. Identifiers: Orphanet 2670, MedGen C1836876, MONDO:0012184, OMIM 609049.
LAMB2-related infantile-onset nephrotic syndrome. Also called: Nephrotic Syndrome, type 5; NEPHROTIC SYNDROME, TYPE 5, WITHOUT OCULAR ABNORMALITIES; NEPHROTIC SYNDROME, TYPE 5, WITH OCULAR ABNORMALITIES. Identifiers: Orphanet 306507, MedGen C3280113, MONDO:0013621, OMIM 614199.
Nephrotic syndrome. Identifiers: MedGen C0027726, MONDO:0005377, HP:0000100.

Allele frequency attached by ClinVar (database versions not stated): TOPMed below 0.00001; gnomAD 0.00003.

Submissions (4):

Fulgent Genetics
Classification: Uncertain significance for Pierson syndrome; LAMB2-related infantile-onset nephrotic syndrome. Last evaluated: 2024-03-07. Review status: criteria provided, single submitter. Criteria: ACMG Guidelines, 2015. Collection method: clinical testing. Allele origin: germline.

Blueprint Genetics
Classification: Uncertain significance. Last evaluated: 2023-10-06. Review status: criteria provided, single submitter. Criteria: ACMG Guidelines, 2015. Collection method: clinical testing. Allele origin: germline.

Labcorp Genetics (formerly Invitae), Labcorp
Classification: Uncertain significance for LAMB2-related infantile-onset nephrotic syndrome; Pierson syndrome. Last evaluated: 2022-06-27. Review status: criteria provided, single submitter. Criteria: Invitae Variant Classification Sherloc (09022015). Collection method: clinical testing. Allele origin: germline.
Comment: This variant is not present in population databases (gnomAD no frequency). In summary, the available evidence is currently insufficient to determine the role of this variant in disease. Therefore, it has been classified as a Variant of Uncertain Significance. Algorithms developed to predict the effect of missense changes on protein structure and function output the following: SIFT: "Tolerated"; PolyPhen-2: "Benign"; Align-GVGD: "Class C0". The threonine amino acid residue is found in multiple mammalian species, which suggests that this missense change does not adversely affect protein function. ClinVar contains an entry for this variant (Variation ID: 988163). This variant has not been reported in the literature in individuals affected with LAMB2-related conditions. This sequence change replaces alanine, which is neutral and non-polar, with threonine, which is neutral and polar, at codon 742 of the LAMB2 protein (p.Ala742Thr).

Sydney Genome Diagnostics, Children's Hospital Westmead
Classification: Uncertain significance for Nephrotic syndrome. Last evaluated: 2018-06-05. Review status: no assertion criteria provided. Collection method: clinical testing. Allele origin: unknown. Affected: yes. Observed: 1 variant allele, 1 compound heterozygote. Not counted in ClinVar's aggregate classification.
Comment: To our knowledge, this variant has not been previously reported to be a disease causing variant and it has not been reported in the ExAC allele frequency database. In silico analysis (Alamut Visual v2.7.2) using Align GVGD, SIFT, PolyPhen2 and MutationTaster all predict that this variant is likely to be benign.

NM_002292.4(LAMB2):c.2224G>A (p.Ala742Thr)

Gene: LAMB2 (laminin subunit beta 2; minus strand). Cytogenetic location: 3p21.31.
Variant type: single nucleotide variant.
Coding change: c.2224G>A on transcript NM_002292.4 (MANE Select); coding-DNA position 2224, G replaced by A.
Protein change: p.Ala742Thr; replaces alanine 742 with threonine.
Molecular consequence: missense variant.
Genome position (GRCh38, 1-based): chr3:49,126,087, C>T on the plus strand (G>A on the coding strand, the complement: LAMB2 is on the minus strand). VCF-style: chr3-49126087-C-T. GRCh37 (hg19) VCF-style: chr3-49163520-C-T.
Other names: short protein forms A742T.
Identifiers: ClinVar variation 988163 (VCV000988163.9), dbSNP rs959473971, ClinGen allele CA74481620.